The following is an entry in ClinVar:

ClinVar aggregate classification (germline): Uncertain significance (1 of 4 stars; one submission).

Conditions:
Osteoporosis, childhood- or juvenile-onset, with developmental delay. Identifiers: MedGen C5676992, MONDO:0859253, OMIM 619884.
Microcephaly 19, primary, autosomal recessive. Identifiers: MedGen C4540488, MONDO:0054716, OMIM 617800.

Submission:

Juno Genomics, Hangzhou Juno Genomics, Inc
Classification: Uncertain significance for Microcephaly 19, primary, autosomal recessive; Osteoporosis, childhood- or juvenile-onset, with developmental delay. Review status: criteria provided, single submitter. Criteria: ACMG Guidelines, 2015. Collection method: clinical testing. Allele origin: germline.
Comment: Absent from controls (or at extremely low frequency if recessive) in Genome Aggregation Database.;Multiple lines of computational evidence support a deleterious effect on the gene or gene product.

NM_004766.3(COPB2):c.577T>A (p.Tyr193Asn)

Gene: COPB2 (coat protein complex I subunit beta 2; minus strand). Cytogenetic location: 3q23.
Variant type: single nucleotide variant.
Coding change: c.577T>A on transcript NM_004766.3 (MANE Select); coding-DNA position 577, T replaced by A.
Protein change: p.Tyr193Asn; replaces tyrosine 193 with asparagine.
Molecular consequence: missense variant. On other transcripts: non-coding transcript variant (1).
Genome position (GRCh38, 1-based): chr3:139,375,542, A>T on the plus strand (T>A on the coding strand, the complement: COPB2 is on the minus strand). VCF-style: chr3-139375542-A-T. GRCh37 (hg19) VCF-style: chr3-139094384-A-T.
Other names: c.490T>A, p.Tyr164Asn (NM_001410834.1); short protein forms Y164N, Y193N.
Identifiers: ClinVar variation 5006559 (VCV005006559.2).